The following is an entry in ClinVar:

ClinVar aggregate classification (germline): Uncertain significance. Review status: criteria provided, single submitter (1 of 4 stars). 2 submissions from 2 submitters: Uncertain significance (1). 1 of the submissions does not count toward it. Last evaluated 2023-08-17.

Conditions:
Short-rib thoracic dysplasia 11 with or without polydactyly (SRTD11). Also called: SHORT-RIB THORACIC DYSPLASIA 11 WITHOUT POLYDACTYLY. Identifiers: Orphanet 474, Orphanet 93271, MedGen C3810200, MONDO:0014287, OMIM 615633.
DYNC2I2-related disorder. Also called: DYNC2I2-related condition.

Allele frequency attached by ClinVar (database versions not stated): gnomAD 0.00003; TOPMed 0.00003; gnomAD exomes 0.00004.
gnomAD v4.1: 55 of 1,410,514 alleles (0.0039%); highest among the groups gnomAD compares: African/African-American, 0.0045%; no homozygotes.

Submissions (2):

Labcorp Genetics (formerly Invitae), Labcorp
Classification: Uncertain significance for Short-rib thoracic dysplasia 11 with or without polydactyly. Last evaluated: 2023-08-17. Review status: criteria provided, single submitter. Criteria: Invitae Variant Classification Sherloc (09022015). Collection method: clinical testing. Allele origin: germline.
Comment: In summary, the available evidence is currently insufficient to determine the role of this variant in disease. Therefore, it has been classified as a Variant of Uncertain Significance. An algorithm developed to predict the effect of missense changes on protein structure and function (PolyPhen-2) suggests that this variant is likely to be disruptive. ClinVar contains an entry for this variant (Variation ID: 2193761). This variant has not been reported in the literature in individuals affected with WDR34-related conditions. This variant is present in population databases (no rsID available, gnomAD 0.01%). This sequence change replaces glutamic acid, which is acidic and polar, with glycine, which is neutral and non-polar, at codon 61 of the WDR34 protein (p.Glu61Gly).

PreventionGenetics, part of Exact Sciences
Classification: Uncertain significance for DYNC2I2-related condition. Last evaluated: 2024-01-11. Review status: no assertion criteria provided. Collection method: clinical testing. Allele origin: germline. Not counted in ClinVar's aggregate classification.
Comment: The DYNC2I2 c.182A>G variant is predicted to result in the amino acid substitution p.Glu61Gly. To our knowledge, this variant has not been reported in the literature. This variant is reported in 0.012% of alleles in individuals of African descent in gnomAD. At this time, the clinical significance of this variant is uncertain due to the absence of conclusive functional and genetic evidence.

NM_052844.4(DYNC2I2):c.182A>G (p.Glu61Gly)

Gene: DYNC2I2 (dynein 2 intermediate chain 2; minus strand). Cytogenetic location: 9q34.11.
Variant type: single nucleotide variant.
Coding change: c.182A>G on transcript NM_052844.4 (MANE Select); coding-DNA position 182, A replaced by G.
Protein change: p.Glu61Gly; replaces glutamic acid 61 with glycine.
Molecular consequence: missense variant.
Genome position (GRCh38, 1-based): chr9:128,656,545, T>C on the plus strand (A>G on the coding strand, the complement: DYNC2I2 is on the minus strand). VCF-style: chr9-128656545-T-C. GRCh37 (hg19) VCF-style: chr9-131418824-T-C.
Other names: c.182A>G (NM_052844.3); short protein forms E61G.
Identifiers: ClinVar variation 2193761 (VCV002193761.4), dbSNP rs909384764, ClinGen allele CA200386068.